The following is an entry in ClinVar:

ClinVar aggregate classification (germline): Uncertain significance. Review status: criteria provided, multiple submitters, no conflicts (2 of 4 stars). 2 submissions from 2 submitters: Uncertain significance (2). Last evaluated 2025-06-17.

Conditions:
Mullegama-Klein-Martinez syndrome. Also called: NEURODEVELOPMENTAL DISORDER, X-LINKED, WITH CRANIOFACIAL ABNORMALITIES. Identifiers: MedGen C5193008, MONDO:0026722, OMIM 301022.
Inborn genetic diseases. Identifiers: MedGen C0950123, MeSH D030342.

Allele frequency attached by ClinVar (database versions not stated): TOPMed 0.00001.
gnomAD v4.1: 1 of 1,112,005 alleles (0.00009%); highest among the groups gnomAD compares: East Asian, 0.0033%; no homozygotes.

Submissions (2):

Ambry Genetics
Classification: Uncertain significance for Inborn genetic diseases. Last evaluated: 2025-06-17. Review status: criteria provided, single submitter. Criteria: Ambry Variant Classification Scheme 2023. Collection method: clinical testing. Allele origin: germline.

Victorian Clinical Genetics Services, Murdoch Childrens Research Institute
Classification: Uncertain significance for Mullegama-Klein-Martinez syndrome. Last evaluated: 2020-05-26. Review status: criteria provided, single submitter. Criteria: ACMG Guidelines, 2015. Collection method: clinical testing. Allele origin: germline. Inheritance: X-linked dominant inheritance. Affected: yes.
Comment: Based on the classification scheme VCGS_Germline_v1.1.1, this variant is classified as VUS – 3B. Following criteria are met: 0102 - Loss-of-function is a known mechanism of disease for this gene. (N) 0110 - This gene is known to be associated with X-linked dominant disease. (N) 0200 - Variant is predicted to result in a missense amino acid change from alanine to threonine (exon 25). However this variant is present at the intron-exon boundary, and has a potential effect on splicing. (N) 0251 - Variant is heterozygous. (N) 0301 - Variant is absent from gnomAD. (P) 0502 - Missense variant with conflicting in silico predictions and/or uninformative conservation. (N) 0508 – In silico predictions for abnormal splicing are conflicting. (N) 0604 - Variant is not located in an established domain, motif, hotspot or informative constraint region. (N) 0705 - No comparable variants have previous evidence for pathogenicity. (N) 0807 - Variant has not previously been reported in a clinical context. (N) 0905 - No segregation evidence has been identified for this variant. (N) 1007 - No published functional evidence has been identified for this variant. (N) 1208 - Inheritance information for this variant is not currently available. (N) Legend: (P) - Pathogenic, (N) - Neutral, (B) - Benign

NM_001042750.2(STAG2):c.2359G>A (p.Ala787Thr)

Gene: STAG2 (STAG2 cohesin complex component; plus strand). Cytogenetic location: Xq25.
Variant type: single nucleotide variant.
Coding change: c.2359G>A on transcript NM_001042750.2 (MANE Select); coding-DNA position 2359, G replaced by A.
Protein change: p.Ala787Thr; replaces alanine 787 with threonine.
Molecular consequence: missense variant.
Genome position (GRCh38, 1-based): chrX:124,071,149, G>A. VCF-style: chrX-124071149-G-A. GRCh37 (hg19) VCF-style: chrX-123204999-G-A.
Other names: c.2359G>A, p.Ala787Thr (NM_001042749.2, NM_001042751.2, NM_001282418.2 and 13 more transcripts); c.2359G>A (NM_001042749.1); short protein forms A787T.
Identifiers: ClinVar variation 1806054 (VCV001806054.2), dbSNP rs1299199661, ClinGen allele CA414275948.